The following is an entry in ClinVar:

NM_005120.3(MED12):c.130G>A (p.Gly44Ser)

Gene: MED12 (mediator complex subunit 12; plus strand). Cytogenetic location: Xq13.1.
Variant type: single nucleotide variant.
Coding change: c.130G>A on transcript NM_005120.3 (MANE Select); coding-DNA position 130, G replaced by A.
Protein change: p.Gly44Ser; replaces glycine 44 with serine.
Molecular consequence: missense variant.
Genome position (GRCh38, 1-based): chrX:71,119,403, G>A. VCF-style: chrX-71119403-G-A. GRCh37 (hg19) VCF-style: chrX-70339253-G-A.
Other names: short protein forms G44S.
Identifiers: ClinVar variation 92217 (VCV000092217.3), dbSNP rs199469669, ClinGen allele CA145563.

ClinVar aggregate classification (germline): other. Review status: no assertion criteria provided (0 of 4 stars). 2 submissions from 2 submitters: other (1). 1 of the submissions does not count toward it. Last evaluated 2016-05-01.
ClinVar aggregate classification (somatic clinical impact): Tier II - Potential. Review status: criteria provided, single submitter (1 of 4 stars). 2 submissions from 1 submitter. Last evaluated 2025-02-19.

Conditions:
Angiosarcoma. Identifiers: Orphanet 263413, MedGen C0018923, MeSH D006394, MONDO:0016982, HP:0200058.
Uterine leiomyoma (UL). Also called: Uterine corpus leiomyoma. Identifiers: MedGen C0042133, MONDO:0007886, OMIM 150699, HP:0000131.
Embryonal rhabdomyosarcoma (ERMS). Also called: Botryoid rhabdomyosarcoma (type of ERMS); Spindle cell rhabdomyosarcomas (type of ERMS). Identifiers: Orphanet 99757, MedGen C0206656, MONDO:0009993, HP:0006743.
Medulloblastoma non-WNT/non-SHH. Identifiers: MedGen C4330667, MONDO:0850198.

Allele frequency attached by ClinVar (database versions not stated): TOPMed below 0.00001.

Submissions (4):

Institute for Genomic Medicine (IGM) Clinical Laboratory, Nationwide Children's Hospital
Classification: Tier II - Potential for Embryonal rhabdomyosarcoma. Assertion type: diagnostic. Clinical significance: supports diagnosis. Last evaluated: 2025-02-19. Review status: criteria provided, single submitter. Criteria: AMP/ASCO/CAP Guidelines, 2017. Collection method: clinical testing. Allele origin: somatic. Affected: yes.
Comment: Variant has Tier II (potential) clinical significance as a diagnostic inclusion criterion in embryonal rhabdomyosarcoma, based on the following evidence: 1) Documented in one or more cancer databases (e.g., St. Jude Pecan, COSMIC, CIViC, OncoKB). 2) Information in the literature supports potential biologic effect of variant (PMIDs: 24746821, 21868628). 3) Diagnostic significance based on multiple small studies (Evidence Level C; PMIDs: 35705560, 35705558, 24390224, 26692951).

Institute for Genomic Medicine (IGM) Clinical Laboratory, Nationwide Children's Hospital
Classification: Tier II - Potential for Medulloblastoma non-WNT/non-SHH. Assertion type: diagnostic. Clinical significance: supports diagnosis. Last evaluated: 2023-06-15. Review status: criteria provided, single submitter. Criteria: AMP/ASCO/CAP Guidelines, 2017. Collection method: clinical testing. Allele origin: somatic. Affected: yes.
Comment: Variant has Tier II (potential) clinical significance as a diagnostic inclusion criterion in medulloblastoma non-WNT/non-SHH, based on the following evidence: 1) Documented in one or more cancer databases (e.g., St. Jude Pecan, COSMIC, CIViC, OncoKB). 2) Information in the literature supports potential biologic effect of variant (PMIDs: 24746821, 21868628). 3) Diagnostic significance based on multiple small studies (Evidence Level C; PMID: 28726821).

Donald Williams Parsons Laboratory, Baylor College of Medicine
Classification: other for ANGIOSARCOMA. Last evaluated: 2016-05-01. Review status: no assertion criteria provided. Collection method: clinical testing. Allele origin: somatic. Inheritance: Somatic mutation. Affected: yes. Study: CSER-BASIC3.

Rajkovic Lab, University of Pittsburgh
No classification provided. Condition: Leiomyoma, uterine. Review status: no classification provided. Collection method: not provided. Allele origin: somatic. Not counted in ClinVar's aggregate classification.
ClinVar note: Converted during submission from Associated with leiomyomas to not provided.

Literature cited by the submitters: PubMed 24746821 (cited by Institute for Genomic Medicine (IGM) Clinical Laboratory, Nationwide Children's Hospital); PubMed 21868628 (cited by Institute for Genomic Medicine (IGM) Clinical Laboratory, Nationwide Children's Hospital); PubMed 35705560 (cited by Institute for Genomic Medicine (IGM) Clinical Laboratory, Nationwide Children's Hospital); PubMed 35705558 (cited by Institute for Genomic Medicine (IGM) Clinical Laboratory, Nationwide Children's Hospital); PubMed 24390224 (cited by Institute for Genomic Medicine (IGM) Clinical Laboratory, Nationwide Children's Hospital); PubMed 26692951 (cited by Institute for Genomic Medicine (IGM) Clinical Laboratory, Nationwide Children's Hospital); PubMed 28726821 (cited by Institute for Genomic Medicine (IGM) Clinical Laboratory, Nationwide Children's Hospital); PubMed 26822237 (cited by Donald Williams Parsons Laboratory, Baylor College of Medicine).